The following is an entry in ClinVar:

ClinVar aggregate classification (germline): Uncertain significance. Review status: criteria provided, multiple submitters, no conflicts (2 of 4 stars). 3 submissions from 3 submitters: Uncertain significance (3). Last evaluated 2025-12-10.

Conditions:
Inborn genetic diseases. Identifiers: MedGen C0950123, MeSH D030342.

Allele frequency attached by ClinVar (database versions not stated): TOPMed below 0.00001; gnomAD exomes 0.00002.
gnomAD v4.1: 15 of 1,598,044 alleles (0.00094%); highest among the groups gnomAD compares: Admixed American, 0.0083%; no homozygotes.

Submissions (3):

GeneDx
Classification: Uncertain significance. Last evaluated: 2025-12-10. Review status: criteria provided, single submitter. Criteria: GeneDx Variant Classification Process June 2021. Collection method: clinical testing. Allele origin: germline. Affected: yes.
Comment: Not observed at significant frequency in large population cohorts (gnomAD); In silico analysis supports that this missense variant has a deleterious effect on protein structure/function; Has not been previously published as pathogenic or benign to our knowledge

Ambry Genetics
Classification: Uncertain significance for Inborn genetic diseases. Last evaluated: 2025-08-03. Review status: criteria provided, single submitter. Criteria: Ambry Variant Classification Scheme 2023. Collection method: clinical testing. Allele origin: germline.

Labcorp Genetics (formerly Invitae), Labcorp
Classification: Uncertain significance. Last evaluated: 2022-05-23. Review status: criteria provided, single submitter. Criteria: Invitae Variant Classification Sherloc (09022015). Collection method: clinical testing. Allele origin: germline.
Comment: This sequence change replaces tyrosine, which is neutral and polar, with cysteine, which is neutral and slightly polar, at codon 794 of the SZT2 protein (p.Tyr794Cys). This variant is present in population databases (no rsID available, gnomAD 0.01%). This variant has not been reported in the literature in individuals affected with SZT2-related conditions. ClinVar contains an entry for this variant (Variation ID: 938426). Algorithms developed to predict the effect of missense changes on protein structure and function are either unavailable or do not agree on the potential impact of this missense change (SIFT: "Deleterious"; PolyPhen-2: "Probably Damaging"; Align-GVGD: "Class C0"). In summary, the available evidence is currently insufficient to determine the role of this variant in disease. Therefore, it has been classified as a Variant of Uncertain Significance.

NM_001365999.1(SZT2):c.2381A>G (p.Tyr794Cys)

Gene: SZT2 (SZT2 subunit of KICSTOR complex; plus strand). Cytogenetic location: 1p34.2.
Variant type: single nucleotide variant.
Coding change: c.2381A>G on transcript NM_001365999.1 (MANE Select); coding-DNA position 2381, A replaced by G.
Protein change: p.Tyr794Cys; replaces tyrosine 794 with cysteine.
Molecular consequence: missense variant.
Genome position (GRCh38, 1-based): chr1:43,424,342, A>G. VCF-style: chr1-43424342-A-G. GRCh37 (hg19) VCF-style: chr1-43890013-A-G.
Other names: c.2381A>G, p.Tyr794Cys (NM_015284.4); short protein forms Y794C.
Identifiers: ClinVar variation 938426 (VCV000938426.10), dbSNP rs1440809419, ClinGen allele CA340012608.